The following is an entry in ClinVar:

NM_201384.3(PLEC):c.10446C>T (p.Arg3482=)

Gene: PLEC (plectin; minus strand). Cytogenetic location: 8q24.3.
Variant type: single nucleotide variant.
Coding change: c.10446C>T on transcript NM_201384.3 (MANE Select); coding-DNA position 10446, C replaced by T.
Protein change: p.Arg3482=; no amino-acid change (arginine 3482 retained).
Molecular consequence: synonymous variant.
Genome position (GRCh38, 1-based): chr8:143,919,375, G>A on the plus strand (C>T on the coding strand, the complement: PLEC is on the minus strand). VCF-style: chr8-143919375-G-A. GRCh37 (hg19) VCF-style: chr8-144993543-G-A.
Other names: c.10527C>T (NM_000445.4); c.10527C>T, p.Arg3509= (NM_000445.5); c.10404C>T, p.Arg3468= (NM_201378.4); c.10380C>T, p.Arg3460= (NM_201379.3); c.10857C>T, p.Arg3619= (NM_201380.4); c.10350C>T, p.Arg3450= (NM_201381.3); c.10446C>T, p.Arg3482= (NM_201382.4); c.10458C>T, p.Arg3486= (NM_201383.3).
Identifiers: ClinVar variation 805206 (VCV000805206.8), dbSNP rs527572451, ClinGen allele CA4924651.

ClinVar aggregate classification (germline): Likely benign. Review status: criteria provided, multiple submitters, no conflicts (2 of 4 stars). 4 submissions from 4 submitters: Likely benign (4). Last evaluated 2025-12-08.

Conditions:
PLEC-related disorder. Also called: PLEC-related condition; PLEC-related disorders.
Epidermolysis bullosa simplex 5C, with pyloric atresia (EBS5C). Also called: PLEC-Related Epidermolysis Bullosa with Pyloric Atresia; Epidermolysis bullosa simplex with pyloric atresia; PLEC1-Related Epidermolysis Bullosa with Pyloric Atresia. Identifiers: Orphanet 158684, MedGen C2677349, MONDO:0012807, OMIM 612138.
Epidermolysis bullosa simplex 5B, with muscular dystrophy (EBS5B). Also called: EPIDERMOLYSIS BULLOSA SIMPLEX AND LIMB-GIRDLE MUSCULAR DYSTROPHY; Epidermolysis bullosa simplex with muscular dystrophy. Identifiers: Orphanet 257, MedGen C2931072, MONDO:0009181, OMIM 226670.
Epidermolysis bullosa simplex with nail dystrophy (EBS5D). Identifiers: MedGen C4225309, MONDO:0014661, OMIM 616487.
Epidermolysis bullosa simplex, Ogna type (EBS5A). Also called: Pidermolysis bullosa simplex 5A, Ogna type; EPIDERMOLYSIS BULLOSA SIMPLEX 5A, OGNA TYPE. Identifiers: Orphanet 79401, MedGen C0432317, MONDO:0007555, OMIM 131950.
Autosomal recessive limb-girdle muscular dystrophy type 2Q (LGMDR17). Also called: MUSCULAR DYSTROPHY, LIMB-GIRDLE, AUTOSOMAL RECESSIVE 17. Identifiers: Orphanet 254361, MedGen C3150989, MONDO:0013390, OMIM 613723.

Allele frequency attached by ClinVar (database versions not stated): gnomAD 0.00005; gnomAD exomes 0.00006 and 0.00011; TOPMed 0.00007; ExAC 0.00015; 1000 Genomes Project 30x 0.00016; 1000 Genomes Project 0.00020.

Submissions (4):

PreventionGenetics, part of Exact Sciences
Classification: Likely benign for PLEC-related condition. Last evaluated: 2025-12-08. Review status: criteria provided, single submitter. Criteria: ACMG Guidelines, 2015. Collection method: clinical testing. Allele origin: germline.
Comment: This variant is classified as likely benign based on ACMG/AMP sequence variant interpretation guidelines (Richards et al. 2015 PMID: 25741868, with internal and published modifications).

Labcorp Genetics (formerly Invitae), Labcorp
Classification: Likely benign for Autosomal recessive limb-girdle muscular dystrophy type 2Q; Epidermolysis bullosa simplex, Ogna type; Epidermolysis bullosa simplex with nail dystrophy; Epidermolysis bullosa simplex 5C, with pyloric atresia; Epidermolysis bullosa simplex 5B, with muscular dystrophy. Last evaluated: 2025-04-21. Review status: criteria provided, single submitter. Criteria: Invitae Variant Classification Sherloc (09022015). Collection method: clinical testing. Allele origin: germline.

Blueprint Genetics
Classification: Likely benign. Last evaluated: 2024-09-10. Review status: criteria provided, single submitter. Criteria: ACMG Guidelines, 2015. Collection method: clinical testing. Allele origin: germline.

Athena Diagnostics
Classification: Likely benign. Last evaluated: 2019-02-04. Review status: criteria provided, single submitter. Criteria: Athena Diagnostics Criteria. Collection method: clinical testing. Allele origin: germline.